The following is an entry in ClinVar:

NM_138691.3(TMC1):c.1333C>T (p.Arg445Cys)

Gene: TMC1 (transmembrane channel like 1; plus strand). Cytogenetic location: 9q21.13.
Variant type: single nucleotide variant.
Coding change: c.1333C>T on transcript NM_138691.3 (MANE Select); coding-DNA position 1333, C replaced by T.
Protein change: p.Arg445Cys; replaces arginine 445 with cysteine.
Molecular consequence: missense variant.
Genome position (GRCh38, 1-based): chr9:72,791,994, C>T. VCF-style: chr9-72791994-C-T. GRCh37 (hg19) VCF-style: chr9-75406910-C-T.
Other names: short protein forms R445C.
Identifiers: ClinVar variation 179070 (VCV000179070.32), dbSNP rs372710475, ClinGen allele CA273577.
Genomic context (GRCh38, chr9:72,791,994, plus strand): 5'-GACTTATTTGCTGAATTAGAAGACTACCATCCTCTCATCGCTTTGAAATGGCTACTGGGA[C>T]GCATTTTTGCTCTTCTTTTAGGCAATTTATACGTATTTATTCTTGCATTAATGGATGAGA-3'
Protein context (NP_619636.2, residues 435-455): PLIALKWLLG[Arg445Cys]IFALLLGNLY

ClinVar aggregate classification (germline): Conflicting classifications of pathogenicity. Review status: criteria provided, conflicting classifications (1 of 4 stars). 12 submissions from 12 submitters: Pathogenic (3); Likely pathogenic (3); Uncertain significance (2); Likely benign (1). 3 of the submissions do not count toward it. Last evaluated 2024-12-19.

Conditions:
Rare genetic deafness. Identifiers: Orphanet 96210, MedGen C5680250.
TMC1-related disorder. Also called: TMC1-related disorders; TMC1-related condition.
Nonsyndromic genetic hearing loss. Also called: Nonsyndromic hearing loss and deafness; Non-syndromic genetic deafness; Nonsyndromic genetic deafness. Identifiers: Orphanet 87884, MedGen C5680182, MONDO:0019497.
Hearing loss, autosomal recessive. Also called: Autosomal recessive nonsyndromic deafness; Deafness, autosomal recessive; Rare autosomal recessive non-syndromic sensorineural deafness type DFNB; Nonsyndromic Hearing Loss, Recessive. Identifiers: Orphanet 90635, Orphanet 90636, MedGen C1846647, MONDO:0019588, OMIM 607197.
Autosomal dominant nonsyndromic hearing loss 36. Identifiers: Orphanet 90635, MedGen C1847626, MONDO:0011708, OMIM 606705.
Autosomal recessive nonsyndromic hearing loss 7. Also called: DEAFNESS, AUTOSOMAL RECESSIVE 11. Identifiers: Orphanet 90636, MedGen C1832978, MONDO:0010967, OMIM 600974.

Allele frequency attached by ClinVar (database versions not stated): gnomAD 0.00006 and 0.00005; TOPMed 0.00006; gnomAD exomes 0.00007; ESP Exome Variant Server 0.00008; ExAC 0.00008.
gnomAD v4.1: 98 of 1,613,856 alleles (0.0061%); highest among the groups gnomAD compares: Non-Finnish European, 0.0071%; no homozygotes.

Submissions (12):

Labcorp Genetics (formerly Invitae), Labcorp
Classification: Pathogenic. Last evaluated: 2024-12-19. Review status: criteria provided, single submitter. Criteria: Invitae Variant Classification Sherloc (09022015). Collection method: clinical testing. Allele origin: germline.
Comment: This sequence change replaces arginine, which is basic and polar, with cysteine, which is neutral and slightly polar, at codon 445 of the TMC1 protein (p.Arg445Cys). This variant is present in population databases (rs372710475, gnomAD 0.02%). This missense change has been observed in individuals with autosomal recessive deafness (PMID: 19187973, 24416283). It has also been observed to segregate with disease in related individuals. ClinVar contains an entry for this variant (Variation ID: 179070). Invitae Evidence Modeling of protein sequence and biophysical properties (such as structural, functional, and spatial information, amino acid conservation, physicochemical variation, residue mobility, and thermodynamic stability) indicates that this missense variant is expected to disrupt TMC1 protein function with a positive predictive value of 95%. For these reasons, this variant has been classified as Pathogenic.

Blueprint Genetics
Classification: Pathogenic for TMC1-related disorders. Last evaluated: 2024-09-09. Review status: criteria provided, single submitter. Criteria: ACMG Guidelines, 2015. Collection method: clinical testing. Allele origin: germline. Affected: yes. Observed: 5 variant alleles.

GeneDx
Classification: Uncertain significance. Last evaluated: 2024-02-08. Review status: criteria provided, single submitter. Criteria: GeneDx Variant Classification Process June 2021. Collection method: clinical testing. Allele origin: germline. Affected: yes.
Comment: In silico analysis supports that this missense variant has a deleterious effect on protein structure/function; This variant is associated with the following publications: (PMID: 26186295, 26226225, 24933710, 28862181, 31980526, 35640668, 34758253, 33205915, 24416283, 19187973, 34523024, 36597107)

Women's Health and Genetics/Laboratory Corporation of America, LabCorp
Classification: Pathogenic for Nonsyndromic genetic hearing loss. Last evaluated: 2023-06-20. Review status: criteria provided, single submitter. Criteria: LabCorp Variant Classification Summary - May 2015. Collection method: clinical testing. Allele origin: germline.
Comment: Variant summary: TMC1 c.1333C>T (p.Arg445Cys) results in a non-conservative amino acid change in the encoded protein sequence. Five of five in-silico tools predict a damaging effect of the variant on protein function. The variant allele was found at a frequency of 7.2e-05 in 251326 control chromosomes (gnomAD). This frequency is not significantly higher than estimated for a pathogenic variant in TMC1 causing Nonsyndromic Hearing Loss And Deafness, Type 7 (7.2e-05 vs 0.0011), allowing no conclusion about variant significance. c.1333C>T has been reported in the literature as a biallelic genotype in multiple individuals affected with Nonsyndromic Hearing Loss And Deafness (e.g. Sirmaci_2009, Ganapathy_2014, Nishio_2022). These data indicate that the variant is very likely to be associated with disease. To our knowledge, no experimental evidence demonstrating an impact on protein function has been reported. The following publications have been ascertained in the context of this evaluation (PMID: 24416283, 34523024, 30303587, 19187973). Five ClinVar submitters have assessed this variant since 2014: one classified the variant as likely benign, three as uncertain significance, and one as likely pathogenic. Based on the evidence outlined above, the variant was classified as pathogenic.

Athena Diagnostics
Classification: Likely pathogenic. Last evaluated: 2019-02-20. Review status: criteria provided, single submitter. Criteria: Athena Diagnostics Criteria. Collection method: clinical testing. Allele origin: germline.
Comment: The best available variant frequency is uninformative because it is below the disease allele frequency. Found in at least one symptomatic patient. Predicted to have a damaging effect on the protein. Strong co-segregation with disease in affected and unaffected individuals, but from a single family.

Illumina Laboratory Services, Illumina
Classification: Likely benign for Autosomal dominant nonsyndromic hearing loss 36. Last evaluated: 2017-04-27. Review status: criteria provided, single submitter. Criteria: ICSL Variant Classification Criteria 13 December 2019. Collection method: clinical testing. Allele origin: germline.
Comment: This variant was observed as part of a predisposition screen in an ostensibly healthy population. A literature search was performed for the gene, cDNA change, and amino acid change (where applicable). No publications were found based on this search. Allele frequency data from public databases allowed determination this variant is unlikely to cause disease. Therefore, this variant is classified as likely benign.

Eurofins Ntd Llc (ga)
Classification: Uncertain significance. Last evaluated: 2016-05-31. Review status: criteria provided, single submitter. Criteria: EGL Classification Definitions 2015. Collection method: clinical testing. Allele origin: germline. Observed: 3 variant alleles, 3 heterozygotes.

Laboratory for Molecular Medicine, Mass General Brigham Personalized Medicine
Classification: Likely pathogenic for Rare genetic deafness. Last evaluated: 2014-07-09. Review status: criteria provided, single submitter. Criteria: LMM Criteria. Collection method: clinical testing. Allele origin: germline. Inheritance: Autosomal recessive inheritance. Observed: 4 variant alleles.
Comment: The Arg445Cys variant in TMC1 has been reported in 5 families with hearing loss (Sirmaci 2009, Ganapathy 2014, LMM unpublished data). In one family, the varian t is homozygous in 3 siblings with nonsyndromic autosomal recessive sensorineura l hearing loss and heterozygous in 4 unaffected relatives (Sirmaci 2009). In an other family, it is homozygous in two affected individuals (Ganapathy 2014). Th is variant has been identified in 0.01% (1/8600) of European American chromosome s by the NHLBI Exome sequencing project. Alt hough this variant has been seen in the general population, its frequency is low enough to be consistent with a recessive carrier frequency. In addition, comput ational prediction tools and conservation analyses suggest that the Arg445Cys va riant may impact the protein, though this information is not predictive enough t o determine pathogenicity. In summary, this variant is likely to be pathogenic, though additional studies are required to fully establish its clinical significa nce.

Juno Genomics, Hangzhou Juno Genomics, Inc
Classification: Likely pathogenic for Autosomal dominant nonsyndromic hearing loss 36; Autosomal recessive nonsyndromic hearing loss 7. Review status: criteria provided, single submitter. Criteria: ACMG Guidelines, 2015. Collection method: clinical testing. Allele origin: germline. Affected: yes.
Comment: Absent from controls (or at extremely low frequency if recessive) in Genome Aggregation Database.;Multiple lines of computational evidence support a deleterious effect on the gene or gene product.;For recessive disorders, detected in trans with a pathogenic variant.

PreventionGenetics, part of Exact Sciences
Classification: Pathogenic for TMC1-related condition. Last evaluated: 2023-12-14. Review status: no assertion criteria provided. Collection method: clinical testing. Allele origin: germline. Not counted in ClinVar's aggregate classification.
Comment: The TMC1 c.1333C>T variant is predicted to result in the amino acid substitution p.Arg445Cys. This variant was reported in the homozygous or compound heterozygous state in multiple patients with hearing loss (Sirmaci et al. 2009. PubMed ID: 19187973; Ganapathy et al. 2014. PubMed ID: 24416283; Nishio et al. 2022. PubMed ID: 34523024). This variant is reported in 0.016% of alleles in individuals of East Asian descent in gnomAD. This variant is interpreted as pathogenic.

Genomics England Pilot Project, Genomics England
Classification: Likely pathogenic for Autosomal dominant nonsyndromic hearing loss 36. Review status: no assertion criteria provided. Criteria: ACGS Guidelines, 2016. Collection method: clinical testing. Allele origin: germline. Affected: yes. Not counted in ClinVar's aggregate classification.

University of Washington Center for Mendelian Genomics, University of Washington
Classification: Likely pathogenic for non-syndromic autosomal recessive hearing loss. Review status: no assertion criteria provided. Collection method: research. Allele origin: inherited. Affected: yes. Not counted in ClinVar's aggregate classification.

Literature cited by the submitters: PubMed 19187973 (cited by 5 submitters); PubMed 24416283 (cited by 5 submitters); PubMed 30303587 (cited by Women's Health and Genetics/Laboratory Corporation of America, LabCorp and University of Washington Center for Mendelian Genomics, University of Washington); PubMed 34523024 (cited by Women's Health and Genetics/Laboratory Corporation of America, LabCorp).